The following is an entry in ClinVar:

ClinVar aggregate classification (germline): Likely benign (1 of 4 stars; one submission).

Allele frequency attached by ClinVar (database versions not stated): gnomAD exomes 0.00018; gnomAD 0.00027; ExAC 0.00032.

Submission:

CeGaT Center for Human Genetics Tuebingen
Classification: Likely benign. Last evaluated: 2023-01-01. Review status: criteria provided, single submitter. Criteria: CeGaT Center For Human Genetics Tuebingen Variant Classification Criteria Version 2. Collection method: clinical testing. Allele origin: germline. Affected: yes. Observed: 1 variant allele.
Comment: USP17L2: BP4, BP7

NM_201402.3(USP17L2):c.291C>T (p.Cys97=)

Genes: FAM66D (family with sequence similarity 66 member D), USP17L2 (ubiquitin specific peptidase 17 like family member 2; minus strand). Cytogenetic location: 8p23.1.
Variant type: single nucleotide variant.
Coding change: c.291C>T on transcript NM_201402.3 (MANE Select); coding-DNA position 291, C replaced by T.
Protein change: p.Cys97=; no amino-acid change (cysteine 97 retained).
Molecular consequence: synonymous variant.
Genome position (GRCh38, 1-based): chr8:12,138,470, G>A on the plus strand (C>T on the coding strand, the complement: USP17L2 is on the minus strand). VCF-style: chr8-12138470-G-A. GRCh37 (hg19) VCF-style: chr8-11995979-G-A.
Identifiers: ClinVar variation 2658428 (VCV002658428.24), dbSNP rs199650341, ClinGen allele CA4635199.